The following is an entry in ClinVar:

ClinVar aggregate classification (germline): Uncertain significance (1 of 4 stars; one submission).

Submission:

Greenwood Genetic Center Diagnostic Laboratories, Greenwood Genetic Center
Classification: Uncertain significance. Last evaluated: 2023-04-17. Review status: criteria provided, single submitter. Criteria: ACMG Guidelines, 2015. Collection method: clinical testing. Allele origin: germline. Affected: yes.
Comment: PM2, PM3

NM_020320.5(RARS2):c.761G>C (p.Arg254Pro)

Gene: RARS2 (arginyl-tRNA synthetase 2, mitochondrial; minus strand). Cytogenetic location: 6q15.
Variant type: single nucleotide variant.
Coding change: c.761G>C on transcript NM_020320.5 (MANE Select); coding-DNA position 761, G replaced by C.
Protein change: p.Arg254Pro; replaces arginine 254 with proline.
Molecular consequence: missense variant. On other transcripts: non-coding transcript variant (23).
Genome position (GRCh38, 1-based): chr6:87,530,794, C>G on the plus strand (G>C on the coding strand, the complement: RARS2 is on the minus strand). VCF-style: chr6-87530794-C-G. GRCh37 (hg19) VCF-style: chr6-88240512-C-G.
Other names: c.236G>C, p.Arg79Pro (NM_001318785.2, NM_001350506.2, NM_001350507.2 and 4 more transcripts); c.761G>C, p.Arg254Pro (NM_001350505.2); short protein forms R254P, R79P.
Identifiers: ClinVar variation 2572335 (VCV002572335.1), dbSNP rs151021900, ClinGen allele CA3916533.